The following is an entry in ClinVar:

ClinVar aggregate classification (germline): Pathogenic (1 of 4 stars; one submission).

Conditions:
Tuberous sclerosis 2 (TSC2). Identifiers: Orphanet 805, MedGen C1860707, MONDO:0013199, OMIM 613254.

Submission:

Labcorp Genetics (formerly Invitae), Labcorp
Classification: Pathogenic for Tuberous sclerosis 2. Last evaluated: 2020-08-31. Review status: criteria provided, single submitter. Criteria: Invitae Variant Classification Sherloc (09022015). Collection method: clinical testing. Allele origin: germline.
Comment: This variant is a gross deletion of the genomic region encompassing exon(s) 1-30 of the TSC2 gene, which includes the initiator codon. The 5' end of this event is unknown as it extends beyond the assayed region for this gene and therefore may encompass additional genes. The 3' boundary is likely confined to intron 30 of the TSC2 gene. This is expected to result in an absent or disrupted protein product. This variant has not been reported in the literature in individuals with TSC2-related conditions. Loss-of-function variants in TSC2 are known to be pathogenic (PMID: 10205261, 17304050). For these reasons, this variant has been classified as Pathogenic.

Literature cited by the submitters: PubMed 10205261; PubMed 17304050.

NC_000016.9:g.(?_2025180)_2130380del

Gene: TSC2 (TSC complex subunit 2; plus strand).
Variant type: Deletion.
Identifiers: ClinVar variation 1071378 (VCV001071378.2).